The following is an entry in ClinVar:

NM_002035.4(KDSR):c.739C>G (p.Pro247Ala)

Gene: KDSR (3-ketodihydrosphingosine reductase; minus strand). Cytogenetic location: 18q21.33.
Variant type: single nucleotide variant.
Coding change: c.739C>G on transcript NM_002035.4 (MANE Select); coding-DNA position 739, C replaced by G.
Protein change: p.Pro247Ala; replaces proline 247 with alanine.
Molecular consequence: missense variant.
Genome position (GRCh38, 1-based): chr18:63,338,838, G>C on the plus strand (C>G on the coding strand, the complement: KDSR is on the minus strand). VCF-style: chr18-63338838-G-C. GRCh37 (hg19) VCF-style: chr18-61006071-G-C.
Other names: c.739C>G (NM_002035.2); short protein forms P247A.
Identifiers: ClinVar variation 1424730 (VCV001424730.9), dbSNP rs1401176915, ClinGen allele CA402629773.
Genomic context (GRCh38, chr18:63,338,838, plus strand): 5'-AGAAAACAAGGATTTTACTTACTATGGCATCTTTAACAATTTGTTTGGCCACCTGTTCTG[G>C]TTTGCACACAGATGTGGTCTCTGAAATAAGTCGAGTCTCCAAAGGCTAAAAGTGGAAAAA-3'
Protein context (NP_002026.1, residues 237-257): LISETTSVCK[Pro247Ala]EQVAKQIVKD

ClinVar aggregate classification (germline): Uncertain significance. Review status: criteria provided, multiple submitters, no conflicts (2 of 4 stars). 2 submissions from 2 submitters: Uncertain significance (2). Last evaluated 2025-09-16.

Conditions:
Inborn genetic diseases. Identifiers: MedGen C0950123, MeSH D030342.

Allele frequency attached by ClinVar (database versions not stated): gnomAD exomes below 0.00001; TOPMed below 0.00001; gnomAD 0.00001.
gnomAD v4.1: 2 of 1,610,144 alleles (0.00012%); highest among the groups gnomAD compares: Admixed American, 0.0034%; no homozygotes.

Submissions (2):

Ambry Genetics
Classification: Uncertain significance for Inborn genetic diseases. Last evaluated: 2025-09-16. Review status: criteria provided, single submitter. Criteria: Ambry Variant Classification Scheme 2023. Collection method: clinical testing. Allele origin: germline.

Labcorp Genetics (formerly Invitae), Labcorp
Classification: Uncertain significance. Last evaluated: 2024-05-06. Review status: criteria provided, single submitter. Criteria: Invitae Variant Classification Sherloc (09022015). Collection method: clinical testing. Allele origin: germline.
Comment: This sequence change replaces proline, which is neutral and non-polar, with alanine, which is neutral and non-polar, at codon 247 of the KDSR protein (p.Pro247Ala). This variant is present in population databases (no rsID available, gnomAD 0.003%). This variant has not been reported in the literature in individuals affected with KDSR-related conditions. ClinVar contains an entry for this variant (Variation ID: 1424730). An algorithm developed to predict the effect of missense changes on protein structure and function (PolyPhen-2) suggests that this variant is likely to be tolerated. In summary, the available evidence is currently insufficient to determine the role of this variant in disease. Therefore, it has been classified as a Variant of Uncertain Significance.